The following is an entry in ClinVar:

NM_001271.4(CHD2):c.159G>A (p.Ser53=)

Gene: CHD2 (chromodomain helicase DNA binding protein 2; plus strand). Cytogenetic location: 15q26.1.
Variant type: single nucleotide variant.
Coding change: c.159G>A on transcript NM_001271.4 (MANE Select); coding-DNA position 159, G replaced by A.
Protein change: p.Ser53=; no amino-acid change (serine 53 retained).
Molecular consequence: synonymous variant.
Genome position (GRCh38, 1-based): chr15:92,924,417, G>A. VCF-style: chr15-92924417-G-A. GRCh37 (hg19) VCF-style: chr15-93467647-G-A.
Other names: c.159G>A, p.Ser53= (NM_001042572.3).
Identifiers: ClinVar variation 517675 (VCV000517675.4), dbSNP rs552271683, ClinGen allele CA7747451.

ClinVar aggregate classification (germline): Likely benign. Review status: criteria provided, multiple submitters, no conflicts (2 of 4 stars). 2 submissions from 2 submitters: Likely benign (2). Last evaluated 2024-10-23.

Conditions:
Developmental and epileptic encephalopathy 94 (DEE94). Also called: Epileptic encephalopathy, childhood-onset; CHD2-Related Neurodevelopmental Disorders. Identifiers: Orphanet 1942, Orphanet 2382, MedGen C3809278, MONDO:0014150, OMIM 615369.

Allele frequency attached by ClinVar (database versions not stated): gnomAD 0.00001 and 0.00002; gnomAD exomes 0.00003; ExAC 0.00005; 1000 Genomes Project 30x 0.00031; 1000 Genomes Project 0.00040.
gnomAD v4.1: 11 of 1,614,120 alleles (0.00068%); highest among the groups gnomAD compares: African/African-American, 0.004%; no homozygotes.

Submissions (2):

Labcorp Genetics (formerly Invitae), Labcorp
Classification: Likely benign for Developmental and epileptic encephalopathy 94. Last evaluated: 2024-10-23. Review status: criteria provided, single submitter. Criteria: Invitae Variant Classification Sherloc (09022015). Collection method: clinical testing. Allele origin: germline.

GeneDx
Classification: Likely benign. Last evaluated: 2017-01-20. Review status: criteria provided, single submitter. Criteria: GeneDx Variant Classification (06012015). Collection method: clinical testing. Allele origin: germline. Affected: yes.
Comment: This variant is considered likely benign or benign based on one or more of the following criteria: it is a conservative change, it occurs at a poorly conserved position in the protein, it is predicted to be benign by multiple in silico algorithms, and/or has population frequency not consistent with disease.